The following is an entry in ClinVar:

ClinVar aggregate classification (germline): Likely benign. Review status: criteria provided, single submitter (1 of 4 stars). 2 submissions from 2 submitters: Likely benign (1). 1 of the submissions does not count toward it. Last evaluated 2023-02-10.

Conditions:
ZNF592-related disorder. Also called: ZNF592-related condition.

Allele frequency attached by ClinVar (database versions not stated): gnomAD 0.00008; gnomAD exomes 0.00010; TOPMed 0.00014; ExAC 0.00031; 1000 Genomes Project 30x 0.00047; 1000 Genomes Project 0.00060.
gnomAD v4.1: 161 of 1,614,138 alleles (0.01%); highest among the groups gnomAD compares: East Asian, 0.23%; 1 homozygote.

Submissions (2):

Blueprint Genetics
Classification: Likely benign. Last evaluated: 2023-02-10. Review status: criteria provided, single submitter. Criteria: ACMG Guidelines, 2015. Collection method: clinical testing. Allele origin: germline.

PreventionGenetics, part of Exact Sciences
Classification: Likely benign for ZNF592-related condition. Last evaluated: 2019-04-08. Review status: no assertion criteria provided. Collection method: clinical testing. Allele origin: germline. Not counted in ClinVar's aggregate classification.
Comment: This variant is classified as likely benign based on ACMG/AMP sequence variant interpretation guidelines (Richards et al. 2015 PMID: 25741868, with internal and published modifications).

NM_014630.3(ZNF592):c.2242C>T (p.Leu748=)

Gene: ZNF592 (zinc finger protein 592; plus strand). Cytogenetic location: 15q25.3.
Variant type: single nucleotide variant.
Coding change: c.2242C>T on transcript NM_014630.3 (MANE Select); coding-DNA position 2242, C replaced by T.
Protein change: p.Leu748=; no amino-acid change (leucine 748 retained).
Molecular consequence: synonymous variant.
Genome position (GRCh38, 1-based): chr15:84,790,726, C>T. VCF-style: chr15-84790726-C-T. GRCh37 (hg19) VCF-style: chr15-85333957-C-T.
Identifiers: ClinVar variation 3039839 (VCV003039839.3), dbSNP rs201554213, ClinGen allele CA7708346.